The following is an entry in ClinVar:

ClinVar aggregate classification (germline): Uncertain significance. Review status: criteria provided, multiple submitters, no conflicts (2 of 4 stars). 2 submissions from 2 submitters: Uncertain significance (2). Last evaluated 2025-11-24.

Conditions:
Hereditary cancer-predisposing syndrome. Also called: Tumor predisposition; Hereditary neoplastic syndrome; Hereditary Cancer Syndrome; Neoplastic Syndromes, Hereditary. Identifiers: Orphanet 140162, MedGen C0027672, MeSH D009386, MONDO:0015356.
EGFR-related lung cancer (EGFR). Identifiers: MedGen CN130014.

gnomAD v4.1: 2 of 1,614,242 alleles (0.00012%); highest among the groups gnomAD compares: Non-Finnish European, 0.00017%; no homozygotes.

Submissions (2):

Ambry Genetics
Classification: Uncertain significance for Hereditary cancer-predisposing syndrome. Last evaluated: 2025-11-24. Review status: criteria provided, single submitter. Criteria: Ambry Variant Classification Scheme 2023. Collection method: clinical testing. Allele origin: germline.
Comment: The p.S286I variant (also known as c.857G>T), located in coding exon 7 of the EGFR gene, results from a G to T substitution at nucleotide position 857. The serine at codon 286 is replaced by isoleucine, an amino acid with dissimilar properties. This amino acid position is conserved. In addition, this alteration is predicted to be deleterious by in silico analysis. Based on the available evidence, the clinical significance of this variant remains unclear.

Labcorp Genetics (formerly Invitae), Labcorp
Classification: Uncertain significance for EGFR-related lung cancer. Last evaluated: 2023-10-13. Review status: criteria provided, single submitter. Criteria: Invitae Variant Classification Sherloc (09022015). Collection method: clinical testing. Allele origin: germline.
Comment: This sequence change replaces serine, which is neutral and polar, with isoleucine, which is neutral and non-polar, at codon 286 of the EGFR protein (p.Ser286Ile). This variant is not present in population databases (gnomAD no frequency). This variant has not been reported in the literature in individuals affected with EGFR-related conditions. ClinVar contains an entry for this variant (Variation ID: 1464070). Advanced modeling of protein sequence and biophysical properties (such as structural, functional, and spatial information, amino acid conservation, physicochemical variation, residue mobility, and thermodynamic stability) performed at Invitae indicates that this missense variant is not expected to disrupt EGFR protein function. In summary, the available evidence is currently insufficient to determine the role of this variant in disease. Therefore, it has been classified as a Variant of Uncertain Significance.

NM_005228.5(EGFR):c.857G>T (p.Ser286Ile)

Gene: EGFR (epidermal growth factor receptor; plus strand). Cytogenetic location: 7p11.2.
Variant type: single nucleotide variant.
Coding change: c.857G>T on transcript NM_005228.5 (MANE Select); coding-DNA position 857, G replaced by T.
Protein change: p.Ser286Ile; replaces serine 286 with isoleucine.
Molecular consequence: missense variant. On other transcripts: intron variant (1).
Genome position (GRCh38, 1-based): chr7:55,154,120, G>T. VCF-style: chr7-55154120-G-T. GRCh37 (hg19) VCF-style: chr7-55221813-G-T.
Other names: c.722G>T, p.Ser241Ile (NM_001346897.2, NM_001346899.2); c.857G>T, p.Ser286Ile (NM_001346898.2, NM_201282.2, NM_201283.2 and 1 more transcripts); c.698G>T, p.Ser233Ile (NM_001346900.2); c.89-1710G>T (NM_001346941.2); c.857G>T (NM_005228.3); short protein forms S286I, S233I, S241I.
Identifiers: ClinVar variation 1464070 (VCV001464070.7), dbSNP rs2128935109, ClinGen allele CA367577830.